The following is an entry in ClinVar:

NM_001080517.3(SETD5):c.1465C>T (p.Pro489Ser)

Gene: SETD5 (SET domain containing 5; plus strand). Cytogenetic location: 3p25.3.
Variant type: single nucleotide variant.
Coding change: c.1465C>T on transcript NM_001080517.3 (MANE Select); coding-DNA position 1465, C replaced by T.
Protein change: p.Pro489Ser; replaces proline 489 with serine.
Molecular consequence: missense variant.
Genome position (GRCh38, 1-based): chr3:9,445,681, C>T. VCF-style: chr3-9445681-C-T. GRCh37 (hg19) VCF-style: chr3-9487365-C-T.
Other names: c.1171C>T, p.Pro391Ser (NM_001292043.2, NM_001349451.2); short protein forms P391S, P489S.
Identifiers: ClinVar variation 1708723 (VCV001708723.5), dbSNP rs751244307, ClinGen allele CA2239190.
Genomic context (GRCh38, chr3:9,445,681, plus strand): 5'-GCTTGAGTACAGCTGAATATTGCCTCTATCTTAAAGGAAGTAGACAATCCAGAAGAAAAA[C>T]CAGAAGAAGAGAAAGAAGAGGTTATAGATGACCAGGAGAACCTAGCTCATAGCAGGAGGG-3'
Protein context (NP_001073986.1, residues 479-499): HEEVDNPEEK[Pro489Ser]EEEKEEVIDD

ClinVar aggregate classification (germline): Uncertain significance. Review status: criteria provided, multiple submitters, no conflicts (2 of 4 stars). 2 submissions from 2 submitters: Uncertain significance (2). Last evaluated 2022-04-08.

Conditions:
Inborn genetic diseases. Identifiers: MedGen C0950123, MeSH D030342.

Allele frequency attached by ClinVar (database versions not stated): gnomAD exomes below 0.00001; ExAC 0.00001.
gnomAD v4.1: 2 of 1,613,502 alleles (0.00012%); highest among the groups gnomAD compares: East Asian, 0.0022%; no homozygotes.

Submissions (2):

GeneDx
Classification: Uncertain significance. Last evaluated: 2022-04-08. Review status: criteria provided, single submitter. Criteria: GeneDx Variant Classification Process June 2021. Collection method: clinical testing. Allele origin: germline. Affected: yes.
Comment: In silico analysis supports that this missense variant does not alter protein structure/function; Has not been previously published as pathogenic or benign to our knowledge

Ambry Genetics
Classification: Uncertain significance for Inborn genetic diseases. Last evaluated: 2021-05-19. Review status: criteria provided, single submitter. Criteria: Ambry Variant Classification Scheme 2023. Collection method: clinical testing. Allele origin: germline.